The following is an entry in ClinVar:

NM_001282717.2(STAG3):c.3272C>T (p.Ser1091Leu)

Gene: STAG3 (STAG3 cohesin complex component; plus strand). Cytogenetic location: 7q22.1.
Variant type: single nucleotide variant.
Coding change: c.3272C>T on transcript NM_001282717.2 (MANE Select); coding-DNA position 3272, C replaced by T.
Protein change: p.Ser1091Leu; replaces serine 1091 with leucine.
Molecular consequence: missense variant. On other transcripts: non-coding transcript variant (1).
Genome position (GRCh38, 1-based): chr7:100,211,044, C>T. VCF-style: chr7-100211044-C-T. GRCh37 (hg19) VCF-style: chr7-99808667-C-T.
Other names: c.3272C>T, p.Ser1091Leu (NM_001282716.1, NM_001375438.1, NM_012447.4); c.3098C>T, p.Ser1033Leu (NM_001282718.2); short protein forms S1033L, S1091L.
Identifiers: ClinVar variation 2673114 (VCV002673114.23), dbSNP rs1277146332, ClinGen allele CA368439000.

ClinVar aggregate classification (germline): Uncertain significance (1 of 4 stars; one submission).

Allele frequency attached by ClinVar (database versions not stated): gnomAD 0.00001; TOPMed 0.00002.
gnomAD v4.1: 11 of 1,613,858 alleles (0.00068%); highest among the groups gnomAD compares: Middle Eastern, 0.033%; no homozygotes.

Submission:

CeGaT Center for Human Genetics Tuebingen
Classification: Uncertain significance. Last evaluated: 2023-11-01. Review status: criteria provided, single submitter. Criteria: CeGaT Center For Human Genetics Tuebingen Variant Classification Criteria Version 2. Collection method: clinical testing. Allele origin: germline. Affected: yes. Observed: 1 variant allele.
Comment: STAG3: PM2, BP4